The following is an entry in ClinVar:

ClinVar aggregate classification (germline): Pathogenic (1 of 4 stars; one submission).

Submission:

Labcorp Genetics (formerly Invitae), Labcorp
Classification: Pathogenic. Last evaluated: 2023-02-04. Review status: criteria provided, single submitter. Criteria: Invitae Variant Classification Sherloc (09022015). Collection method: clinical testing. Allele origin: germline.
Comment: This variant is a gross deletion of the genomic region encompassing exon(s) 9-12 of the FGD1 gene. This deletion is out-of-frame, and is expected to create a premature termination codon and result in an absent or disrupted protein product. Loss-of-function variants in FGD1 are known to be pathogenic (PMID: 21739585, 23211637, 25046119, 26029706). A similar copy number variant has been observed in individual(s) with clinical features of Aarskog syndrome (PMID: 11093277). For these reasons, this variant has been classified as Pathogenic.

Literature cited by the submitters: PubMed 21739585; PubMed 23211637; PubMed 25046119; PubMed 26029706; PubMed 11093277.

NC_000023.10:g.(?_54481861)_(54483020_?)del

Gene: FGD1 (FYVE, RhoGEF and PH domain containing 1; minus strand). Cytogenetic location: Xp11.22.
Variant type: Deletion.
Identifiers: ClinVar variation 2425123 (VCV002425123.4).